The following is an entry in ClinVar:

ClinVar aggregate classification (germline): Uncertain significance (1 of 4 stars; one submission).

Conditions:
Congenital disorder of deglycosylation (CDDG). Identifiers: MedGen C3808991, MONDO:0031376.

Allele frequency attached by ClinVar (database versions not stated): ExAC 0.00001.

Submission:

Labcorp Genetics (formerly Invitae), Labcorp
Classification: Uncertain significance for Congenital disorder of deglycosylation. Last evaluated: 2022-05-19. Review status: criteria provided, single submitter. Criteria: Invitae Variant Classification Sherloc (09022015). Collection method: clinical testing. Allele origin: germline.
Comment: This sequence change replaces leucine, which is neutral and non-polar, with isoleucine, which is neutral and non-polar, at codon 495 of the NGLY1 protein (p.Leu495Ile). This variant is present in population databases (rs771847637, gnomAD 0.001%). This variant has not been reported in the literature in individuals affected with NGLY1-related conditions. Algorithms developed to predict the effect of missense changes on protein structure and function (SIFT, PolyPhen-2, Align-GVGD) all suggest that this variant is likely to be tolerated. In summary, the available evidence is currently insufficient to determine the role of this variant in disease. Therefore, it has been classified as a Variant of Uncertain Significance.

NM_018297.4(NGLY1):c.1483C>A (p.Leu495Ile)

Gene: NGLY1 (N-glycanase 1; minus strand). Cytogenetic location: 3p24.2.
Variant type: single nucleotide variant.
Coding change: c.1483C>A on transcript NM_018297.4 (MANE Select); coding-DNA position 1483, C replaced by A.
Protein change: p.Leu495Ile; replaces leucine 495 with isoleucine.
Molecular consequence: missense variant.
Genome position (GRCh38, 1-based): chr3:25,729,261, G>T on the plus strand (C>A on the coding strand, the complement: NGLY1 is on the minus strand). VCF-style: chr3-25729261-G-T. GRCh37 (hg19) VCF-style: chr3-25770752-G-T.
Other names: c.1429C>A, p.Leu477Ile (NM_001145293.2); c.1357C>A, p.Leu453Ile (NM_001145294.2); c.1483C>A, p.Leu495Ile (NM_001145295.2); short protein forms L453I, L477I, L495I.
Identifiers: ClinVar variation 1996453 (VCV001996453.4), dbSNP rs771847637, ClinGen allele CA2289138.